The following is an entry in ClinVar:

NM_020975.6(RET):c.3278A>G (p.Asp1093Gly)

Gene: RET (ret proto-oncogene; plus strand). Cytogenetic location: 10q11.21.
Variant type: single nucleotide variant.
Coding change: c.3278A>G on transcript NM_020975.6 (MANE Select); coding-DNA position 3278, A replaced by G.
Protein change: p.Asp1093Gly; replaces aspartic acid 1093 with glycine.
Molecular consequence: missense variant.
Genome position (GRCh38, 1-based): chr10:43,128,202, A>G. VCF-style: chr10-43128202-A-G. GRCh37 (hg19) VCF-style: chr10-43623650-A-G.
Other names: short protein forms D1093G.
Identifiers: ClinVar variation 1416919 (VCV001416919.9), dbSNP rs1564502609, ClinGen allele CA376559111.

ClinVar aggregate classification (germline): Uncertain significance. Review status: criteria provided, multiple submitters, no conflicts (2 of 4 stars). 2 submissions from 2 submitters: Uncertain significance (2). Last evaluated 2023-08-03.

Conditions:
Multiple endocrine neoplasia, type 2 (MEN2). Identifiers: Orphanet 653, MedGen C4048306, MONDO:0019003. Disease mechanism: gain of function.
Hirschsprung disease, susceptibility to, 1 (HSCR1). Also called: RET-Related Hirschsprung Disease. Identifiers: Orphanet 388, MedGen C3888239, MONDO:0007723, OMIM 142623.

Allele frequency attached by ClinVar (database versions not stated): gnomAD exomes below 0.00001.
gnomAD v4.1: 3 of 1,614,188 alleles (0.00019%); highest among the groups gnomAD compares: African/African-American, 0.0013%; no homozygotes.

Submissions (2):

Baylor Genetics
Classification: Uncertain significance for Hirschsprung disease, susceptibility to, 1. Last evaluated: 2023-08-03. Review status: criteria provided, single submitter. Criteria: ACMG Guidelines, 2015. Collection method: clinical testing. Allele origin: unknown.

Labcorp Genetics (formerly Invitae), Labcorp
Classification: Uncertain significance for Multiple endocrine neoplasia, type 2. Last evaluated: 2023-06-15. Review status: criteria provided, single submitter. Criteria: Invitae Variant Classification Sherloc (09022015). Collection method: clinical testing. Allele origin: germline.
Comment: In summary, the available evidence is currently insufficient to determine the role of this variant in disease. Therefore, it has been classified as a Variant of Uncertain Significance. An algorithm developed to predict the effect of missense changes on protein structure and function (PolyPhen-2) suggests that this variant is likely to be disruptive. ClinVar contains an entry for this variant (Variation ID: 1416919). This missense change has been observed in individual(s) with Hirschsprung’s disease (PMID: 22648184). This variant is not present in population databases (gnomAD no frequency). This sequence change replaces aspartic acid, which is acidic and polar, with glycine, which is neutral and non-polar, at codon 1093 of the RET protein (p.Asp1093Gly).

Literature cited by the submitters: PubMed 22648184 (cited by Labcorp Genetics (formerly Invitae), Labcorp).